The following is an entry in ClinVar:

ClinVar aggregate classification (germline): Uncertain significance (1 of 4 stars; one submission).

Submission:

Women's Health and Genetics/Laboratory Corporation of America, LabCorp
Classification: Uncertain significance. Last evaluated: 2022-08-02. Review status: criteria provided, single submitter. Criteria: LabCorp Variant Classification Summary - May 2015. Collection method: clinical testing. Allele origin: germline.
Comment: Variant summary: The variant identified by MLPA or other technology involves the duplication of the entire coding region of the PMS2 gene. A presumed nomenclature of c.(?_-88)_(*2475_?)dup has been designated for the purposes of this classification. It has been assumed that this is a tandem duplication in direct orientation (Richardson_GIM_2018, Newman_AJHG_2015). A variant allele involving copy number gain of the PMS2 gene along with other genes was found at a frequency of 0.00023 in 21694 control chromosomes (gnomAD, Structural Variants dataset). The available data on variant occurrences in the general population are insufficient to allow any conclusion about variant significance. Duplication of the PMS2 gene has been reported in the literature in an individual without a specified phenotype (Herman_2018). This report does not provide unequivocal conclusions about association of the variant with Hereditary Nonpolyposis Colorectal Cancer. To our knowledge, no experimental evidence demonstrating an impact on protein function has been reported. A ClinVar submitter (evaluation after 2014) cites the variant as uncertain significance. Based on the evidence outlined above, the variant was classified as uncertain significance.

Literature cited by the submitters: PubMed 29792936.

NC_000007.13:g.(?_6010555)_(6048738_?)dup

Gene: PMS2 (PMS1 homolog 2, mismatch repair system component; minus strand). Cytogenetic location: 7p22.1.
Variant type: Duplication.
Identifiers: ClinVar variation 1705147 (VCV001705147.1).